The following is an entry in ClinVar:

ClinVar aggregate classification (germline): Uncertain significance (1 of 4 stars; one submission).

Allele frequency attached by ClinVar (database versions not stated): ExAC 0.00001; gnomAD 0.00001; TOPMed 0.00005.
gnomAD v4.1: 5 of 1,614,022 alleles (0.00031%); highest among the groups gnomAD compares: Admixed American, 0.005%; no homozygotes.

Submission:

GeneDx
Classification: Uncertain significance. Last evaluated: 2023-01-09. Review status: criteria provided, single submitter. Criteria: GeneDx Variant Classification Process June 2021. Collection method: clinical testing. Allele origin: germline. Affected: yes.
Comment: Not observed at significant frequency in large population cohorts (gnomAD); Missense variant in a gene in which most reported pathogenic variants are truncating/loss of function; Has not been previously published as pathogenic or benign to our knowledge

NM_001267550.2(TTN):c.8273A>G (p.Lys2758Arg)

Gene: TTN (titin; minus strand). Cytogenetic location: 2q31.2.
Variant type: single nucleotide variant.
Coding change: c.8273A>G on transcript NM_001267550.2 (MANE Select); coding-DNA position 8273, A replaced by G.
Protein change: p.Lys2758Arg; replaces lysine 2758 with arginine.
Molecular consequence: missense variant.
Genome position (GRCh38, 1-based): chr2:178,770,519, T>C on the plus strand (A>G on the coding strand, the complement: TTN is on the minus strand). VCF-style: chr2-178770519-T-C. GRCh37 (hg19) VCF-style: chr2-179635246-T-C.
Other names: c.8273A>G, p.Lys2758Arg (NM_001256850.1, NM_133378.4, NM_133379.5); c.8135A>G, p.Lys2712Arg (NM_003319.4, NM_133432.3, NM_133437.4); short protein forms K2712R, K2758R.
Identifiers: ClinVar variation 2571807 (VCV002571807.1), dbSNP rs748372588, ClinGen allele CA2004621.
Genomic context (GRCh38, chr2:178,770,519, plus strand): 5'-CCATAAACAGACTCATCCACGATGGCACAGTTTTTAATCCTCAGAGAGTAAATTGTTCCT[T>C]TGACAGAGATAGCATACTTTTCATTGGATTCCAGCACAACTCCATTTTTGATCCACTGGA-3'
Protein context (NP_001254479.2, residues 2748-2768): ESNEKYAISV[Lys2758Arg]GTIYSLRIKN